The following is an entry in ClinVar:

ClinVar aggregate classification (germline): Benign/Likely benign. Review status: criteria provided, multiple submitters, no conflicts (2 of 4 stars). 9 submissions from 9 submitters: Benign (3); Likely benign (4). 2 of the submissions do not count toward it. Last evaluated 2026-02-02.

Conditions:
Anterior segment dysgenesis. Also called: Ocular anterior segment dysgenesis. Identifiers: Orphanet 88632, MedGen C1862839, MONDO:0019503, HP:0007700.
Congenital primary aphakia. Also called: ANTERIOR SEGMENT DYSGENESIS 2; Anterior segment dysgenesis 2, multiple subtypes. Identifiers: Orphanet 83461, MedGen C1853230, MONDO:0012456, OMIM 610256.
Cardiovascular phenotype. Identifiers: MedGen CN230736.

Allele frequency attached by ClinVar (database versions not stated): gnomAD exomes 0.00067; ExAC 0.00074; gnomAD 0.00805 and 0.00868; TOPMed 0.00906; 1000 Genomes Project 30x 0.01062.

Submissions (9):

Labcorp Genetics (formerly Invitae), Labcorp
Classification: Benign for Anterior segment dysgenesis; Congenital primary aphakia. Last evaluated: 2026-02-02. Review status: criteria provided, single submitter. Criteria: Invitae Variant Classification Sherloc (09022015). Collection method: clinical testing. Allele origin: germline.

CeGaT Center for Human Genetics Tuebingen
Classification: Benign. Last evaluated: 2025-05-01. Review status: criteria provided, single submitter. Criteria: CeGaT Center For Human Genetics Tuebingen Variant Classification Criteria Version 2. Collection method: clinical testing. Allele origin: germline. Affected: yes. Observed: 1 variant allele.
Comment: FOXE3: BS1, BS2

Blueprint Genetics
Classification: Likely benign. Last evaluated: 2024-11-25. Review status: criteria provided, single submitter. Criteria: ACMG Guidelines, 2015. Collection method: clinical testing. Allele origin: germline.

GeneDx
Classification: Benign. Last evaluated: 2020-10-27. Review status: criteria provided, single submitter. Criteria: GeneDx Variant Classification Process June 2021. Collection method: clinical testing. Allele origin: germline. Affected: yes.
Comment: This variant is associated with the following publications: (PMID: 20140963)

Ambry Genetics
Classification: Likely benign for Cardiovascular phenotype. Last evaluated: 2019-03-08. Review status: criteria provided, single submitter. Criteria: Ambry Variant Classification Scheme 2023. Collection method: clinical testing. Allele origin: germline.

Eurofins Ntd Llc (ga)
Classification: Likely benign. Last evaluated: 2016-05-24. Review status: criteria provided, single submitter. Criteria: EGL Classification Definitions 2015. Collection method: clinical testing. Allele origin: germline. Observed: 1 variant allele, 1 heterozygote.

Breakthrough Genomics
Classification: Likely benign. Review status: criteria provided, single submitter. Criteria: ACMG Guidelines, 2015. Collection method: not provided. Allele origin: germline. Inheritance: Autosomal recessive inheritance. Affected: yes.

Clinical Genetics, Academic Medical Center
Classification: Benign. Review status: no assertion criteria provided. Collection method: clinical testing. Allele origin: germline. Affected: yes. Study: VKGL Data-share Consensus. Not counted in ClinVar's aggregate classification.

Genome Diagnostics Laboratory, University Medical Center Utrecht
Classification: Benign. Review status: no assertion criteria provided. Collection method: clinical testing. Allele origin: germline. Affected: yes. Study: VKGL Data-share Consensus. Not counted in ClinVar's aggregate classification.

NM_012186.3(FOXE3):c.16G>A (p.Asp6Asn)

Genes: FOXE3 (forkhead box E3; plus strand), LINC01389 (long independently transcribed non-coding RNA 1389; minus strand). Cytogenetic location: 1p33.
Variant type: single nucleotide variant.
Coding change: c.16G>A on transcript NM_012186.3 (MANE Select); coding-DNA position 16, G replaced by A.
Protein change: p.Asp6Asn; replaces aspartic acid 6 with asparagine.
Molecular consequence: missense variant.
Genome position (GRCh38, 1-based): chr1:47,416,331, G>A. VCF-style: chr1-47416331-G-A. GRCh37 (hg19) VCF-style: chr1-47882003-G-A.
Other names: short protein forms D6N.
Identifiers: ClinVar variation 287849 (VCV000287849.34), dbSNP rs765169217, ClinGen allele CA842906.